The following is an entry in ClinVar:

NM_001395002.1(MAP4K4):c.2937G>T (p.Lys979Asn)

Gene: MAP4K4 (mitogen-activated protein kinase kinase kinase kinase 4; plus strand). Cytogenetic location: 2q11.2.
Variant type: single nucleotide variant.
Coding change: c.2937G>T on transcript NM_001395002.1 (MANE Select); coding-DNA position 2937, G replaced by T.
Protein change: p.Lys979Asn; replaces lysine 979 with asparagine.
Molecular consequence: missense variant. On other transcripts: non-coding transcript variant (1), intron variant (29).
Genome position (GRCh38, 1-based): chr2:101,871,670, G>T. VCF-style: chr2-101871670-G-T. GRCh37 (hg19) VCF-style: chr2-102488132-G-T.
Other names: c.2769G>T, p.Lys923Asn (NM_001384477.1); c.2697G>T, p.Lys899Asn (NM_001384481.1); c.2532G>T, p.Lys844Asn (NM_001384483.1); c.2706G>T, p.Lys902Asn (NM_001384486.1); c.2673G>T, p.Lys891Asn (NM_001384487.1); c.2703G>T, p.Lys901Asn (NM_001384488.1); c.2841G>T, p.Lys947Asn (NM_001384492.1); c.2775G>T, p.Lys925Asn (NM_001384493.1); and 40 more; short protein forms K807N, K808N, K817N, K844N, K845N, K868N, K885N, K890N.
Identifiers: ClinVar variation 3897321 (VCV003897321.1).

ClinVar aggregate classification (germline): Uncertain significance (1 of 4 stars; one submission).

Submission:

GeneDx
Classification: Uncertain significance. Last evaluated: 2024-10-29. Review status: criteria provided, single submitter. Criteria: GeneDx Variant Classification Process June 2021. Collection method: clinical testing. Allele origin: germline. Affected: yes.
Comment: Not observed at significant frequency in large population cohorts (gnomAD); In silico analysis indicates that this missense variant does not alter protein structure/function; Has not been previously published as pathogenic or benign to our knowledge